The following is an entry in ClinVar:

NC_000017.10:g.(?_41215330)_(41215988_?)dup

Gene: BRCA1 (BRCA1 DNA repair associated; minus strand). Cytogenetic location: 17q21.31.
Variant type: Duplication.
Identifiers: ClinVar variation 583642 (VCV000583642.4).

ClinVar aggregate classification (germline): Pathogenic (1 of 4 stars; one submission).

Conditions:
Hereditary breast ovarian cancer syndrome. Also called: Hereditary breast and ovarian cancer syndrome; Hereditary breast and/or ovarian cancer syndrome; Hereditary breast and ovarian cancer syndrome (HBOC); Breast and ovarian cancer; BRCA1- and BRCA2-Associated Hereditary Breast and Ovarian Cancer; Hereditary breast and ovarian cancer. Identifiers: Orphanet 145, MedGen C0677776, MeSH D061325, MONDO:0003582. Disease mechanism: loss of function.

Submission:

Labcorp Genetics (formerly Invitae), Labcorp
Classification: Pathogenic for Hereditary breast ovarian cancer syndrome. Last evaluated: 2022-10-17. Review status: criteria provided, single submitter. Criteria: Invitae Variant Classification Sherloc (09022015). Collection method: clinical testing. Allele origin: germline.
Comment: This variant results in a copy number gain of the genomic region encompassing exon(s) 17-18 of the BRCA1 gene. While the exact position of this variant cannot be determined from the data, sub-genic copy number gains are generally in tandem (PMID: 25640679). This variant is predicted to be out-of-frame, and may result in an absent or disrupted protein product. Loss-of-function variants in BRCA1 are known to be pathogenic (PMID: 20104584). A similar copy number variant has been observed in individuals with breast cancer (PMID: 16551709, 16644204, 16724249, 22544547). This variant is also known as duplication of exons 18-19. For these reasons, this variant has been classified as Pathogenic.

Literature cited by the submitters: PubMed 25640679; PubMed 20104584; PubMed 16551709; PubMed 16644204; PubMed 16724249; PubMed 22544547.